The following is an entry in ClinVar:

ClinVar aggregate classification (germline): Pathogenic/Likely pathogenic. Review status: criteria provided, multiple submitters, no conflicts (2 of 4 stars). 3 submissions from 3 submitters: Pathogenic (1); Likely pathogenic (2). Last evaluated 2025-06-25.

Conditions:
Congenital lactic acidosis, Saguenay-Lac-Saint-Jean type (MC4DN5). Also called: MITOCHONDRIAL COMPLEX IV DEFICIENCY, NUCLEAR TYPE 5; CYTOCHROME c OXIDASE DEFICIENCY, FRENCH CANADIAN TYPE; COX DEFICIENCY, FRENCH CANADIAN TYPE. Identifiers: Orphanet 70472, MedGen C1857355, MONDO:0009069, OMIM 220111.

Submissions (3):

Natera, Inc.
Classification: Likely pathogenic for French-Canadian type Leigh syndrome. Last evaluated: 2025-06-25. Review status: criteria provided, single submitter. Criteria: Natera Variant Classification Schema (03/2026). Collection method: clinical testing. Allele origin: germline.
Comment: The c.123del variant in LRPPRC is a frameshift variant predicted to shift the reading frame beginning at codon 42 and leads to a stop codon 12 codons downstream. This variant is expected to result in nonsense mediated decay, truncation, or a dysfunctional protein product. This variant is rare in the general population with a frequency below the threshold expected for the associated phenotype(s). Given the available evidence, this variant is classified as Likely Pathogenic.

Fulgent Genetics
Classification: Likely pathogenic for Congenital lactic acidosis, Saguenay-Lac-Saint-Jean type. Last evaluated: 2024-03-14. Review status: criteria provided, single submitter. Criteria: ACMG Guidelines, 2015. Collection method: clinical testing. Allele origin: germline.

Labcorp Genetics (formerly Invitae), Labcorp
Classification: Pathogenic. Last evaluated: 2023-11-21. Review status: criteria provided, single submitter. Criteria: Invitae Variant Classification Sherloc (09022015). Collection method: clinical testing. Allele origin: germline.
Comment: This sequence change creates a premature translational stop signal (p.Ala42Profs*12) in the LRPPRC gene. It is expected to result in an absent or disrupted protein product. Loss-of-function variants in LRPPRC are known to be pathogenic (PMID: 26510951). This variant is not present in population databases (gnomAD no frequency). This variant has not been reported in the literature in individuals affected with LRPPRC-related conditions. ClinVar contains an entry for this variant (Variation ID: 2178413). For these reasons, this variant has been classified as Pathogenic.

Literature cited by the submitters: PubMed 26510951 (cited by Labcorp Genetics (formerly Invitae), Labcorp).

NM_133259.4(LRPPRC):c.123del (p.Ala42fs)

Gene: LRPPRC (leucine rich pentatricopeptide repeat containing; minus strand). Cytogenetic location: 2p21.
Variant type: Deletion.
Coding change: c.123del on transcript NM_133259.4 (MANE Select); coding-DNA position 123, one base deleted (C; older notation c.123delC).
Protein change: p.Ala42fs; shifts the reading frame from alanine 42.
Molecular consequence: frameshift variant.
Genome position (GRCh38, 1-based): chr2:43,995,825, G deleted on the plus strand (C on the coding strand, the reverse complement: LRPPRC is on the minus strand); the first of 3 consecutive G bases (chr2:43,995,825-43,995,827); deleting any one gives the same sequence. VCF-style (leftmost placement, unchanged base first): chr2-43995824-CG-C. GRCh37 (hg19) VCF-style: chr2-44222963-CG-C.
Other names: c.123del (NM_133259.3); short protein forms A42fs.
Identifiers: ClinVar variation 2178413 (VCV002178413.7), dbSNP rs986692550, ClinGen allele CA46458314.
Genomic context (GRCh38, chr2:43,995,824, plus strand): 5'-CGCAGCTTGCCTGGAGAAAGGGCCTGGGCACTCACCCGGCCACGGGCCCGGCGCGAGCGG[CG>C]GGCAGATAGGAGGCGGCATGCAGCCGGCCCGGGCCGCCAGGGAGGAGGCGCAGGGAGAGC-3'